The following is an entry in ClinVar:

ClinVar aggregate classification (germline): Uncertain significance (1 of 4 stars; one submission).

Submission:

Labcorp Genetics (formerly Invitae), Labcorp
Classification: Uncertain significance. Last evaluated: 2024-03-04. Review status: criteria provided, single submitter. Criteria: Invitae Variant Classification Sherloc (09022015). Collection method: clinical testing. Allele origin: germline.
Comment: This sequence change replaces asparagine, which is neutral and polar, with serine, which is neutral and polar, at codon 396 of the CERKL protein (p.Asn396Ser). This variant is not present in population databases (gnomAD no frequency). This variant has not been reported in the literature in individuals affected with CERKL-related conditions. ClinVar contains an entry for this variant (Variation ID: 2149986). Advanced modeling of protein sequence and biophysical properties (such as structural, functional, and spatial information, amino acid conservation, physicochemical variation, residue mobility, and thermodynamic stability) performed at Invitae indicates that this missense variant is not expected to disrupt CERKL protein function with a negative predictive value of 80%. In summary, the available evidence is currently insufficient to determine the role of this variant in disease. Therefore, it has been classified as a Variant of Uncertain Significance.

NM_201548.5(CERKL):c.1109A>G (p.Asn370Ser)

Gene: CERKL (CERK like autophagy regulator; minus strand). Cytogenetic location: 2q31.3.
Variant type: single nucleotide variant.
Coding change: c.1109A>G on transcript NM_201548.5 (MANE Select); coding-DNA position 1109, A replaced by G.
Protein change: p.Asn370Ser; replaces asparagine 370 with serine.
Molecular consequence: missense variant. On other transcripts: non-coding transcript variant (2).
Genome position (GRCh38, 1-based): chr2:181,548,569, T>C on the plus strand (A>G on the coding strand, the complement: CERKL is on the minus strand). VCF-style: chr2-181548569-T-C. GRCh37 (hg19) VCF-style: chr2-182413296-T-C.
Other names: c.1187A>G, p.Asn396Ser (NM_001030311.3); c.770A>G, p.Asn257Ser (NM_001030312.3); c.902A>G, p.Asn301Ser (NM_001030313.3); c.*391A>G (NM_001030314.1, NM_001030315.1); c.1055A>G, p.Asn352Ser (NM_001160277.2); short protein forms N352S, N301S, N257S, N370S, N396S.
Identifiers: ClinVar variation 2149986 (VCV002149986.3), dbSNP rs1372080062, ClinGen allele CA349736319.
Genomic context (GRCh38, chr2:181,548,569, plus strand): 5'-TACAGGTTATCTGTATTACATTGAGTTTTTACCTACCTTTCTTGCACATCATCAGAGCTG[T>C]TAAATGGTAAAAATGATATTTCACAGTCTTCTGCCCTAAAATGTAATGAAATTTGTTATT-3'
Protein context (NP_963842.1, residues 360-380): EDCEISFLPF[Asn370Ser]SSDDVQERRA